The following is an entry in ClinVar:

NM_004484.4(GPC3):c.149A>G (p.Lys50Arg)

Gene: GPC3 (glypican 3; minus strand). Cytogenetic location: Xq26.2.
Variant type: single nucleotide variant.
Coding change: c.149A>G on transcript NM_004484.4 (MANE Select); coding-DNA position 149, A replaced by G.
Protein change: p.Lys50Arg; replaces lysine 50 with arginine.
Molecular consequence: missense variant.
Genome position (GRCh38, 1-based): chrX:133,985,301, T>C on the plus strand (A>G on the coding strand, the complement: GPC3 is on the minus strand). VCF-style: chrX-133985301-T-C. GRCh37 (hg19) VCF-style: chrX-133119328-T-C.
Other names: c.149A>G, p.Lys50Arg (NM_001164617.2, NM_001164618.2, NM_001164619.2); short protein forms K50R.
Identifiers: ClinVar variation 2004680 (VCV002004680.4), dbSNP rs2521970892, ClinGen allele CA414706928.

ClinVar aggregate classification (germline): Uncertain significance (1 of 4 stars; one submission).

Conditions:
Wilms tumor 1 (WT1). Also called: Wilms tumor, somatic. Identifiers: Orphanet 654, MedGen CN033288, MONDO:0008679, OMIM 194070.

Allele frequency attached by ClinVar (database versions not stated): gnomAD exomes below 0.00001.
gnomAD v4.1: 1 of 1,210,850 alleles (0.000083%); highest among the groups gnomAD compares: Non-Finnish European, 0.00011%; no homozygotes.

Submission:

Labcorp Genetics (formerly Invitae), Labcorp
Classification: Uncertain significance for Wilms tumor 1. Last evaluated: 2022-06-11. Review status: criteria provided, single submitter. Criteria: Invitae Variant Classification Sherloc (09022015). Collection method: clinical testing. Allele origin: germline.
Comment: This sequence change replaces lysine, which is basic and polar, with arginine, which is basic and polar, at codon 50 of the GPC3 protein (p.Lys50Arg). In summary, the available evidence is currently insufficient to determine the role of this variant in disease. Therefore, it has been classified as a Variant of Uncertain Significance. Algorithms developed to predict the effect of sequence changes on RNA splicing suggest that this variant may disrupt the consensus splice site. Algorithms developed to predict the effect of missense changes on protein structure and function are either unavailable or do not agree on the potential impact of this missense change (SIFT: "Tolerated"; PolyPhen-2: "Possibly Damaging"; Align-GVGD: "Class C0"). This variant has not been reported in the literature in individuals affected with GPC3-related conditions. This variant is not present in population databases (gnomAD no frequency).